The following is an entry in ClinVar:

NM_020975.6(RET):c.514C>T (p.Pro172Ser)

Gene: RET (ret proto-oncogene; plus strand). Cytogenetic location: 10q11.21.
Variant type: single nucleotide variant.
Coding change: c.514C>T on transcript NM_020975.6 (MANE Select); coding-DNA position 514, C replaced by T.
Protein change: p.Pro172Ser; replaces proline 172 with serine.
Molecular consequence: missense variant. On other transcripts: intron variant (15).
Genome position (GRCh38, 1-based): chr10:43,102,518, C>T. VCF-style: chr10-43102518-C-T. GRCh37 (hg19) VCF-style: chr10-43597966-C-T.
Other names: c.514C>T, p.Pro172Ser (NM_001406743.1, NM_001406771.1, NM_001406772.1 and 14 more transcripts); c.385C>T, p.Pro129Ser (NM_001406774.1, NM_001406783.1, NM_001406786.1 and 4 more transcripts); c.337+1796C>T (NM_001406770.1, NM_001406766.1, NM_001406767.1 and 8 more transcripts); c.74-6513C>T (NM_001406784.1); c.74-9581C>T (NM_001406794.1, NM_001406792.1, NM_001406793.1); short protein forms P129S, P172S.
Identifiers: ClinVar variation 5028175 (VCV005028175.1).
Genomic context (GRCh38, chr10:43,102,518, plus strand): 5'-ACCTCCTTTCCAGCCTGCAGCTCCCTCAAGCCCCGGGAGCTCTGCTTCCCAGAGACAAGG[C>T]CCTCCTTCCGCATTCGGGAGAACCGACCCCCAGGCACCTTCCACCAGTTCCGCCTGCTGC-3'
Protein context (NP_066124.1, residues 162-182): PRELCFPETR[Pro172Ser]SFRIRENRPP

ClinVar aggregate classification (germline): Uncertain significance (1 of 4 stars; one submission).

Conditions:
Hereditary cancer-predisposing syndrome. Also called: Neoplastic Syndromes, Hereditary; Tumor predisposition; Hereditary neoplastic syndrome; Hereditary Cancer Syndrome. Identifiers: Orphanet 140162, MedGen C0027672, MeSH D009386, MONDO:0015356.

Submission:

Ambry Genetics
Classification: Uncertain significance for Hereditary cancer-predisposing syndrome. Last evaluated: 2026-07-06. Review status: criteria provided, single submitter. Criteria: Ambry Variant Classification Scheme 2023. Collection method: clinical testing. Allele origin: germline.
Comment: The p.P172S variant (also known as c.514C>T), located in coding exon 3 of the RET gene, results from a C to T substitution at nucleotide position 514. The proline at codon 172 is replaced by serine, an amino acid with similar properties. This amino acid position is conserved. In addition, this alteration is predicted to be tolerated by in silico analysis. Based on the available evidence, the clinical significance of this variant remains unclear.